The following is an entry in ClinVar:

ClinVar aggregate classification (germline): Uncertain significance (1 of 4 stars; one submission).

Conditions:
Spastic paraplegia. Identifiers: MedGen C0037772, HP:0001258.

Submission:

Labcorp Genetics (formerly Invitae), Labcorp
Classification: Uncertain significance for Spastic paraplegia. Last evaluated: 2024-02-26. Review status: criteria provided, single submitter. Criteria: Invitae Variant Classification Sherloc (09022015). Collection method: clinical testing. Allele origin: germline.
Comment: This sequence change creates a premature translational stop signal (p.Glu478Valfs*13) in the SLC33A1 gene. While this is not anticipated to result in nonsense mediated decay, it is expected to disrupt the last 72 amino acid(s) of the SLC33A1 protein. This variant is not present in population databases (gnomAD no frequency). This variant has not been reported in the literature in individuals affected with SLC33A1-related conditions. Experimental studies and prediction algorithms are not available or were not evaluated, and the functional significance of this variant is currently unknown. In summary, the available evidence is currently insufficient to determine the role of this variant in disease. Therefore, it has been classified as a Variant of Uncertain Significance.

NM_004733.4(SLC33A1):c.1433_1434del (p.Glu478fs)

Gene: SLC33A1 (solute carrier family 33 member 1; minus strand). Cytogenetic location: 3q25.31.
Variant type: Microsatellite.
Coding change: c.1433_1434del on transcript NM_004733.4 (MANE Select); coding-DNA positions 1433 to 1434, 2 bases deleted (AG; older notation c.1433_1434delAG).
Protein change: p.Glu478fs; shifts the reading frame from glutamic acid 478.
Molecular consequence: frameshift variant.
Genome position (GRCh38, 1-based): chr3:155,829,736-155,829,737, CT deleted on the plus strand (AG on the coding strand, the reverse complement: SLC33A1 is on the minus strand); deleting any 2 consecutive bases within chr3:155,829,736-155,829,739 gives the same sequence; the c. name uses the placement nearest the transcript's 3' end. VCF-style (leftmost placement, unchanged base first): chr3-155829735-ACT-A. GRCh37 (hg19) VCF-style: chr3-155547524-ACT-A.
Other names: c.1433_1434del, p.Glu478fs (NM_001190992.2); c.1127_1128del, p.Glu376fs (NM_001363883.1); short protein forms E478fs, E376fs.
Identifiers: ClinVar variation 1999495 (VCV001999495.4), dbSNP rs2473806823, ClinGen allele CA2580616001.